The following is an entry in ClinVar:

ClinVar aggregate classification (germline): Uncertain significance (1 of 4 stars; one submission).

Submission:

CeGaT Center for Human Genetics Tuebingen
Classification: Uncertain significance. Last evaluated: 2022-09-01. Review status: criteria provided, single submitter. Criteria: CeGaT Center For Human Genetics Tuebingen Variant Classification Criteria Version 2. Collection method: clinical testing. Allele origin: germline. Affected: yes. Observed: 1 variant allele.
Comment: PI4KA: PM2, PM3:Supporting, PP2, PP3

NM_058004.4(PI4KA):c.5818A>C (p.Ile1940Leu)

Gene: PI4KA (phosphatidylinositol 4-kinase alpha; minus strand). Cytogenetic location: 22q11.21.
Variant type: single nucleotide variant.
Coding change: c.5818A>C on transcript NM_058004.4 (MANE Select); coding-DNA position 5818, A replaced by C.
Protein change: p.Ile1940Leu; replaces isoleucine 1940 with leucine.
Molecular consequence: missense variant.
Genome position (GRCh38, 1-based): chr22:20,711,446, T>G on the plus strand (A>C on the coding strand, the complement: PI4KA is on the minus strand). VCF-style: chr22-20711446-T-G. GRCh37 (hg19) VCF-style: chr22-21065734-T-G.
Other names: c.5725A>C, p.Ile1909Leu (NM_001362862.2); c.5752A>C, p.Ile1918Leu (NM_001362863.2); short protein forms I1909L, I1918L, I1940L.
Identifiers: ClinVar variation 1711547 (VCV001711547.30), dbSNP rs2147166891, ClinGen allele CA410745434.